The following is an entry in ClinVar:

NM_014140.4(SMARCAL1):c.2141T>C (p.Ile714Thr)

Gene: SMARCAL1 (SNF2 related chromatin remodeling annealing helicase 1; plus strand). Cytogenetic location: 2q35.
Variant type: single nucleotide variant.
Coding change: c.2141T>C on transcript NM_014140.4 (MANE Select); coding-DNA position 2141, T replaced by C.
Protein change: p.Ile714Thr; replaces isoleucine 714 with threonine.
Molecular consequence: missense variant.
Genome position (GRCh38, 1-based): chr2:216,464,667, T>C. VCF-style: chr2-216464667-T-C. GRCh37 (hg19) VCF-style: chr2-217329390-T-C.
Other names: c.2141T>C, p.Ile714Thr (NM_001127207.2); short protein forms I714T.
Identifiers: ClinVar variation 647200 (VCV000647200.6), dbSNP rs372158077, ClinGen allele CA2098099.

ClinVar aggregate classification (germline): Uncertain significance. Review status: criteria provided, multiple submitters, no conflicts (2 of 4 stars). 3 submissions from 3 submitters: Uncertain significance (2). 1 of the submissions does not count toward it. Last evaluated 2022-08-06.

Conditions:
Schimke immuno-osseous dysplasia (SIOD). Also called: Schimke Immunoosseous Dysplasia. Identifiers: Orphanet 1830, MedGen C0877024, MONDO:0009458, OMIM 242900.

Allele frequency attached by ClinVar (database versions not stated): gnomAD exomes 0.00001 and 0.00004; ExAC 0.00002; gnomAD 0.00002; TOPMed 0.00006; ESP Exome Variant Server 0.00008.
gnomAD v4.1: 66 of 1,607,012 alleles (0.0041%); highest among the groups gnomAD compares: Non-Finnish European, 0.0051%; no homozygotes.

Submissions (3):

Labcorp Genetics (formerly Invitae), Labcorp
Classification: Uncertain significance for Schimke immuno-osseous dysplasia. Last evaluated: 2022-08-06. Review status: criteria provided, single submitter. Criteria: Invitae Variant Classification Sherloc (09022015). Collection method: clinical testing. Allele origin: germline.
Comment: This sequence change replaces isoleucine, which is neutral and non-polar, with threonine, which is neutral and polar, at codon 714 of the SMARCAL1 protein (p.Ile714Thr). This variant is present in population databases (rs372158077, gnomAD 0.003%). This variant has not been reported in the literature in individuals affected with SMARCAL1-related conditions. ClinVar contains an entry for this variant (Variation ID: 647200). Algorithms developed to predict the effect of missense changes on protein structure and function output the following: SIFT: "Tolerated"; PolyPhen-2: "Benign"; Align-GVGD: "Class C0". The threonine amino acid residue is found in multiple mammalian species, which suggests that this missense change does not adversely affect protein function. In summary, the available evidence is currently insufficient to determine the role of this variant in disease. Therefore, it has been classified as a Variant of Uncertain Significance.

Fulgent Genetics
Classification: Uncertain significance for Schimke immuno-osseous dysplasia. Last evaluated: 2022-01-19. Review status: criteria provided, single submitter. Criteria: ACMG Guidelines, 2015. Collection method: clinical testing. Allele origin: unknown.

Natera, Inc.
Classification: Uncertain significance for Schimke immuno-osseous dysplasia. Last evaluated: 2020-03-11. Review status: no assertion criteria provided. Collection method: clinical testing. Allele origin: germline. Not counted in ClinVar's aggregate classification.